The following is an entry in ClinVar:

ClinVar aggregate classification (germline): Uncertain significance (1 of 4 stars; one submission).

Conditions:
Multiple acyl-CoA dehydrogenase deficiency (MADD). Also called: Glutaric Acidemia type 2; Glutaric acidemia type II; GA 2; Glutaric aciduria, type 2; ETHYLMALONIC-ADIPICACIDURIA; GA II. Identifiers: Orphanet 26791, MedGen C0268596, MONDO:0009282, OMIM 231680.

Submission:

Labcorp Genetics (formerly Invitae), Labcorp
Classification: Uncertain significance for Multiple acyl-CoA dehydrogenase deficiency. Last evaluated: 2022-01-26. Review status: criteria provided, single submitter. Criteria: Invitae Variant Classification Sherloc (09022015). Collection method: clinical testing. Allele origin: germline.
Comment: Advanced modeling of protein sequence and biophysical properties (such as structural, functional, and spatial information, amino acid conservation, physicochemical variation, residue mobility, and thermodynamic stability) performed at Invitae indicates that this missense variant is expected to disrupt ETFB protein function. This variant has not been reported in the literature in individuals affected with ETFB-related conditions. This variant is not present in population databases (gnomAD no frequency). This sequence change replaces glycine, which is neutral and non-polar, with valine, which is neutral and non-polar, at codon 86 of the ETFB protein (p.Gly86Val). In summary, the available evidence is currently insufficient to determine the role of this variant in disease. Therefore, it has been classified as a Variant of Uncertain Significance.

NM_001985.3(ETFB):c.257G>T (p.Gly86Val)

Gene: ETFB (electron transfer flavoprotein subunit beta; minus strand). Cytogenetic location: 19q13.41.
Variant type: single nucleotide variant.
Coding change: c.257G>T on transcript NM_001985.3 (MANE Select); coding-DNA position 257, G replaced by T.
Protein change: p.Gly86Val; replaces glycine 86 with valine.
Molecular consequence: missense variant.
Genome position (GRCh38, 1-based): chr19:51,353,250, C>A on the plus strand (G>T on the coding strand, the complement: ETFB is on the minus strand). VCF-style: chr19-51353250-C-A. GRCh37 (hg19) VCF-style: chr19-51856504-C-A.
Other names: c.530G>T, p.Gly177Val (NM_001014763.1); short protein forms G177V, G86V.
Identifiers: ClinVar variation 2089598 (VCV002089598.4), dbSNP rs143568332, ClinGen allele CA407082663.